The following is an entry in ClinVar:

ClinVar aggregate classification (germline): Benign (1 of 4 stars; one submission).

Allele frequency attached by ClinVar (database versions not stated): 1000 Genomes Project 30x 0.99984; gnomAD 0.99996 and 0.99997; 1000 Genomes Project 1.00000; TOPMed 1.00000.

Submission:

GeneDx
Classification: Benign. Last evaluated: 2018-06-14. Review status: criteria provided, single submitter. Criteria: GeneDx Variant Classification (06012015). Collection method: clinical testing. Allele origin: germline. Affected: yes.
Comment: This variant is considered likely benign or benign based on one or more of the following criteria: it is a conservative change, it occurs at a poorly conserved position in the protein, it is predicted to be benign by multiple in silico algorithms, and/or has population frequency not consistent with disease.

NM_032578.4(MYPN):c.3494-232A>G

Gene: MYPN (myopalladin; plus strand). Cytogenetic location: 10q21.3.
Variant type: single nucleotide variant.
Coding change: c.3494-232A>G on transcript NM_032578.4 (MANE Select); 232 bases into the intron before coding-DNA position 3494, A replaced by G.
Molecular consequence: intron variant.
Genome position (GRCh38, 1-based): chr10:68,201,597, A>G. VCF-style: chr10-68201597-A-G. GRCh37 (hg19) VCF-style: chr10-69961354-A-G.
Other names: c.3494-232A>G (NM_001256267.2); c.2612-232A>G (NM_001256268.2).
Identifiers: ClinVar variation 678132 (VCV000678132.1), dbSNP rs56008433, ClinGen allele CA208227731.
Genomic context (GRCh38, chr10:68,201,597, plus strand): 5'-CGGGTGGGTCACCTGAGGCCAGGAGTTCGAGATCAGCCTGGCCAACATGACGAAACCCCT[A>G]TCTCTCCTAAAAATACAAAAATTAGCCAGGCTTGGCGGTGCACGCCTGTAATCCCAGCTA-3'